The following is an entry in ClinVar:

ClinVar aggregate classification (germline): Uncertain significance. Review status: criteria provided, multiple submitters, no conflicts (2 of 4 stars). 2 submissions from 2 submitters: Uncertain significance (2). Last evaluated 2024-04-29.

Conditions:
Frontotemporal dementia and/or amyotrophic lateral sclerosis 8. Identifiers: MedGen C5436881, MONDO:0030872, OMIM 619132.

Allele frequency attached by ClinVar (database versions not stated): ExAC 0.00001; gnomAD 0.00001; TOPMed 0.00001; ESP Exome Variant Server 0.00008.
gnomAD v4.1: 22 of 1,614,066 alleles (0.0014%); highest among the groups gnomAD compares: Non-Finnish European, 0.0018%; no homozygotes.

Submissions (2):

Labcorp Genetics (formerly Invitae), Labcorp
Classification: Uncertain significance. Last evaluated: 2024-04-29. Review status: criteria provided, single submitter. Criteria: Invitae Variant Classification Sherloc (09022015). Collection method: clinical testing. Allele origin: germline.
Comment: This sequence change replaces isoleucine, which is neutral and non-polar, with valine, which is neutral and non-polar, at codon 70 of the CYLD protein (p.Ile70Val). This variant is present in population databases (rs369619557, gnomAD 0.002%). This variant has not been reported in the literature in individuals affected with CYLD-related conditions. An algorithm developed to predict the effect of missense changes on protein structure and function (PolyPhen-2) suggests that this variant is likely to be tolerated. In summary, the available evidence is currently insufficient to determine the role of this variant in disease. Therefore, it has been classified as a Variant of Uncertain Significance.

Baylor Genetics
Classification: Uncertain significance for Frontotemporal dementia and/or amyotrophic lateral sclerosis 8. Last evaluated: 2024-03-05. Review status: criteria provided, single submitter. Criteria: ACMG Guidelines, 2015. Collection method: clinical testing. Allele origin: unknown.

NM_001378743.1(CYLD):c.208A>G (p.Ile70Val)

Gene: CYLD (CYLD lysine 63 deubiquitinase; plus strand). Cytogenetic location: 16q12.1.
Variant type: single nucleotide variant.
Coding change: c.208A>G on transcript NM_001378743.1 (MANE Select); coding-DNA position 208, A replaced by G.
Protein change: p.Ile70Val; replaces isoleucine 70 with valine.
Molecular consequence: missense variant. On other transcripts: 5 prime UTR variant (2), non-coding transcript variant (1).
Genome position (GRCh38, 1-based): chr16:50,749,906, A>G. VCF-style: chr16-50749906-A-G. GRCh37 (hg19) VCF-style: chr16-50783817-A-G.
Other names: c.208A>G, p.Ile70Val (NM_001378745.1, NM_001378746.1, NM_001378747.1 and 10 more transcripts); c.-455A>G (NM_001378754.1, NM_001378755.1); short protein forms I70V.
Identifiers: ClinVar variation 2681069 (VCV002681069.5), dbSNP rs369619557, ClinGen allele CA8052142.